The following is an entry in ClinVar:

ClinVar aggregate classification (germline): Uncertain significance (1 of 4 stars; one submission).

Submission:

Women's Health and Genetics/Laboratory Corporation of America, LabCorp
Classification: Uncertain significance. Last evaluated: 2023-08-11. Review status: criteria provided, single submitter. Criteria: LabCorp Variant Classification Summary - May 2015. Collection method: clinical testing. Allele origin: germline.
Comment: Variant summary: The variant identified by MLPA or other technology involves the deletion of exons 1-3 in the GRAP gene, where exon 1 contains the translation initiation codon. The exact breakpoint at the 5' end of this variant is unknown and therefore this deletion might extend upstream of the assayed region of the gene. A presumed nomenclature of c.(?_-98)_(299+1_300-1)del has been designated for the purposes of this classification. Although exact breakpoints of this deletion are not known, it is expected to result in an absent or shortened protein product. However, current scientific evidence is insufficient to determine whether loss-of-function variants in the GRAP gene cause disease. A similar deletion CNV that includes exons 1-3 and extends upstream of the GRAP gene (Chr17:18928950-18969625; size 40,675 bp) is reported in 257 / 10847 samples (all heterozygotes, no homozygotes) and is part of a multiallelic CNV (mCNV), with a high frequency of control individuals with copy number gains and losses. In addition, several mCNVs are also located upstream from this region (e.g. Chr17:18959000-19013500; 54,500 bp). The high frequency of this variant suggests that the variant may be a benign polymorphism. To our knowledge, no occurrence of c.(?_-98)_(299+1_300-1)del in individuals affected with Hearing Loss, Autosomal Recessive 114 and no experimental evidence demonstrating its impact on protein function have been reported. No submitters have cited clinical-significance assessments for this variant to ClinVar after 2014. Based on the evidence outlined above, the variant was classified as VUS-possibly benign.

NC_000017.10:g.(18927697_18939270)_(18950337_?)del

Gene: GRAP (GRB2 related adaptor protein; minus strand). Cytogenetic location: 17p11.2.
Variant type: Deletion.
Identifiers: ClinVar variation 2581667 (VCV002581667.1).